The following is an entry in ClinVar:

NM_001807.6(CEL):c.1477A>C (p.Lys493Gln)

Gene: CEL (carboxyl ester lipase; plus strand). Cytogenetic location: 9q34.13.
Variant type: single nucleotide variant.
Coding change: c.1477A>C on transcript NM_001807.6 (MANE Select); coding-DNA position 1477, A replaced by C.
Protein change: p.Lys493Gln; replaces lysine 493 with glutamine.
Molecular consequence: missense variant.
Genome position (GRCh38, 1-based): chr9:133,070,651, A>C. VCF-style: chr9-133070651-A-C. GRCh37 (hg19) VCF-style: chr9-135946038-A-C.
Other names: short protein forms K493Q.
Identifiers: ClinVar variation 4983158 (VCV004983158.1).

ClinVar aggregate classification (germline): Uncertain significance (1 of 4 stars; one submission).

Conditions:
CEL-related disorder. Also called: CEL-related condition.

gnomAD v4.1: 248 of 1,614,166 alleles (0.015%); highest among the groups gnomAD compares: African/African-American, 0.28%; 2 homozygotes.

Submission:

PreventionGenetics, part of Exact Sciences
Classification: Uncertain significance for CEL-related condition. Last evaluated: 2025-10-20. Review status: criteria provided, single submitter. Criteria: ACMG Guidelines, 2015. Collection method: clinical testing. Allele origin: germline.
Comment: The CEL c.1486A>C variant is predicted to result in the amino acid substitution p.Lys496Gln. This variant has been reported in an individual with type 1 diabetes (Supplemental Table 5, Yu et al. 2019. PubMed ID: 31264968). This variant is reported in 0.24% of alleles in individuals of African descent including 1 homozygote in gnomAD. Although we suspect that this variant may be benign, at this time, the clinical significance of this variant is uncertain due to the absence of conclusive functional and genetic evidence.